The following is an entry in ClinVar:

NM_001384950.1(NLRC5):c.2712-34C>T

Gene: NLRC5 (NLR family CARD domain containing 5; plus strand). Cytogenetic location: 16q13.
Variant type: single nucleotide variant.
Coding change: c.2712-34C>T on transcript NM_001384950.1 (MANE Select); 34 bases into the intron before coding-DNA position 2712, C replaced by T.
Molecular consequence: intron variant.
Genome position (GRCh38, 1-based): chr16:57,037,161, C>T. VCF-style: chr16-57037161-C-T. GRCh37 (hg19) VCF-style: chr16-57071073-C-T.
Other names: c.2712-34C>T (NM_001384954.1, NM_001384953.1, NM_001384957.1 and 19 more transcripts); c.2628-34C>T (NM_001384960.1, NM_001384965.1); c.2541-34C>T (NM_001384972.1).
Identifiers: ClinVar variation 103165 (VCV000103165.2), dbSNP rs199475984, ClinGen allele CA230209.

ClinVar aggregate classification (germline): not provided (0 of 4 stars; one submission).

Allele frequency attached by ClinVar (database versions not stated): gnomAD 0.00004 and 0.00008; TOPMed 0.00012; gnomAD exomes 0.00015; ExAC 0.00019; 1000 Genomes Project 30x 0.00062; 1000 Genomes Project 0.00080.
gnomAD v4.1: 96 of 1,585,724 alleles (0.0061%); highest among the groups gnomAD compares: East Asian, 0.21%; 1 homozygote.

Submission:

Human Evolutionary Genetics, Institut Pasteur
No classification provided. Review status: no classification provided. Collection method: not provided. Allele origin: germline.
ClinVar note: Converted during submission from untested to not provided.